The following is an entry in ClinVar:

NM_001999.4(FBN2):c.7657G>T (p.Gly2553Trp)

Gene: FBN2 (fibrillin 2; minus strand). Cytogenetic location: 5q23.3.
Variant type: single nucleotide variant.
Coding change: c.7657G>T on transcript NM_001999.4 (MANE Select); coding-DNA position 7657, G replaced by T.
Protein change: p.Gly2553Trp; replaces glycine 2553 with tryptophan.
Molecular consequence: missense variant.
Genome position (GRCh38, 1-based): chr5:128,274,621, C>A on the plus strand (G>T on the coding strand, the complement: FBN2 is on the minus strand). VCF-style: chr5-128274621-C-A. GRCh37 (hg19) VCF-style: chr5-127610313-C-A.
Other names: short protein forms G2553W.
Identifiers: ClinVar variation 2956228 (VCV002956228.3), dbSNP rs767807555, ClinGen allele CA360753257.

ClinVar aggregate classification (germline): Uncertain significance (1 of 4 stars; one submission).

Conditions:
Congenital contractural arachnodactyly (CCA). Also called: BEALS SYNDROME; Arthrogryposis, distal, type 9; Beals-Hecht syndrome. Identifiers: Orphanet 115, MedGen C0220668, MONDO:0007363, OMIM 121050.

gnomAD v4.1: 1 of 1,613,522 alleles (0.000062%); no homozygotes.

Submission:

Labcorp Genetics (formerly Invitae), Labcorp
Classification: Uncertain significance for Congenital contractural arachnodactyly. Last evaluated: 2023-07-12. Review status: criteria provided, single submitter. Criteria: Invitae Variant Classification Sherloc (09022015). Collection method: clinical testing. Allele origin: germline.
Comment: This sequence change replaces glycine, which is neutral and non-polar, with tryptophan, which is neutral and slightly polar, at codon 2553 of the FBN2 protein (p.Gly2553Trp). This variant is not present in population databases (gnomAD no frequency). This missense change has been observed in individual(s) with aortic dissection (Invitae). Advanced modeling of protein sequence and biophysical properties (such as structural, functional, and spatial information, amino acid conservation, physicochemical variation, residue mobility, and thermodynamic stability) performed at Invitae indicates that this missense variant is expected to disrupt FBN2 protein function. In summary, the available evidence is currently insufficient to determine the role of this variant in disease. Therefore, it has been classified as a Variant of Uncertain Significance.